The following is an entry in ClinVar:

ClinVar aggregate classification (germline): Uncertain significance (1 of 4 stars; one submission).

Submission:

Labcorp Genetics (formerly Invitae), Labcorp
Classification: Uncertain significance. Last evaluated: 2023-04-08. Review status: criteria provided, single submitter. Criteria: Invitae Variant Classification Sherloc (09022015). Collection method: clinical testing. Allele origin: germline.
Comment: In summary, the available evidence is currently insufficient to determine the role of this variant in disease. Therefore, it has been classified as a Variant of Uncertain Significance. An algorithm developed to predict the effect of missense changes on protein structure and function (PolyPhen-2) suggests that this variant is likely to be tolerated. This variant has not been reported in the literature in individuals affected with TOP2B-related conditions. This variant is not present in population databases (gnomAD no frequency). This sequence change replaces alanine, which is neutral and non-polar, with valine, which is neutral and non-polar, at codon 309 of the TOP2B protein (p.Ala309Val).

NM_001330700.2(TOP2B):c.941C>T (p.Ala314Val)

Gene: TOP2B (DNA topoisomerase II beta; minus strand). Cytogenetic location: 3p24.2.
Variant type: single nucleotide variant.
Coding change: c.941C>T on transcript NM_001330700.2 (MANE Select); coding-DNA position 941, C replaced by T.
Protein change: p.Ala314Val; replaces alanine 314 with valine.
Molecular consequence: missense variant.
Genome position (GRCh38, 1-based): chr3:25,633,926, G>A on the plus strand (C>T on the coding strand, the complement: TOP2B is on the minus strand). VCF-style: chr3-25633926-G-A. GRCh37 (hg19) VCF-style: chr3-25675417-G-A.
Other names: c.926C>T, p.Ala309Val (NM_001068.3); short protein forms A309V, A314V.
Identifiers: ClinVar variation 2828750 (VCV002828750.3), dbSNP rs1703030729, ClinGen allele CA351911649.
Genomic context (GRCh38, chr3:25,633,926, plus strand): 5'-AAGCTGATTTGCTGGAATCCTTTTTCACTCAATGTGAGACAAACATCCCATCTTTCATTT[G>A]CAAGCTCATGAATAACTTTCAGGGCCACCCCAGTTTCATCCAATTTGTCTTTCACATAAA-3'
Protein context (NP_001317629.1, residues 304-324): GVALKVIHEL[Ala314Val]NERWDVCLTL